The following is an entry in ClinVar:

NC_000013.11:g.48303712G>A

Gene: RB1 (RB transcriptional corepressor 1; plus strand). Cytogenetic location: 13q14.2.
Variant type: single nucleotide variant.
Genome position: GRCh38 VCF-style: chr13-48303712-G-A. GRCh37 (hg19) VCF-style: chr13-48877848-G-A.
Identifiers: ClinVar variation 3668503 (VCV003668503.2).

ClinVar aggregate classification (germline): Uncertain significance (1 of 4 stars; one submission).

Conditions:
Retinoblastoma (RB1). Also called: RETINOBLASTOMA, SOMATIC. Identifiers: Orphanet 790, MedGen C0035335, MeSH D012175, MONDO:0008380, OMIM 180200, HP:0009919. Disease mechanism: loss of function. Inheritance: Both sporadic and heritable forms are tested..

Submission:

Labcorp Genetics (formerly Invitae), Labcorp
Classification: Uncertain significance for Retinoblastoma. Last evaluated: 2025-01-23. Review status: criteria provided, single submitter. Criteria: Invitae Variant Classification Sherloc (09022015). Collection method: clinical testing. Allele origin: germline.
Comment: This variant occurs in a non-coding region of the RB1 gene. It does not change the encoded amino acid sequence of the RB1 protein. This variant is not present in population databases (gnomAD no frequency). This variant has not been reported in the literature in individuals affected with RB1-related conditions. Experimental studies and prediction algorithms are not available or were not evaluated, and the functional significance of this variant is currently unknown. In summary, the available evidence is currently insufficient to determine the role of this variant in disease. Therefore, it has been classified as a Variant of Uncertain Significance.